The following is an entry in ClinVar:

ClinVar aggregate classification (germline): Likely pathogenic (1 of 4 stars; one submission).

gnomAD v4.1: 4 of 1,612,222 alleles (0.00025%); highest among the groups gnomAD compares: Non-Finnish European, 0.00034%; no homozygotes.

Submission:

GeneDx
Classification: Likely pathogenic. Last evaluated: 2023-08-16. Review status: criteria provided, single submitter. Criteria: GeneDx Variant Classification Process June 2021. Collection method: clinical testing. Allele origin: germline. Affected: yes.
Comment: Identified in an individual with Leigh syndrome in published literature, however, detailed clinical and segregation data were not provided (Stenton et al., 2022); Not observed at significant frequency in large population cohorts (gnomAD); In silico analysis supports that this missense variant has a deleterious effect on protein structure/function; This variant is associated with the following publications: (PMID: 35094435)

NM_003172.4(SURF1):c.536G>A (p.Arg179Lys)

Gene: SURF1 (SURF1 cytochrome c oxidase assembly factor; minus strand). Cytogenetic location: 9q34.2.
Variant type: single nucleotide variant.
Coding change: c.536G>A on transcript NM_003172.4 (MANE Select); coding-DNA position 536, G replaced by A.
Protein change: p.Arg179Lys; replaces arginine 179 with lysine.
Molecular consequence: missense variant.
Genome position (GRCh38, 1-based): chr9:133,352,746, C>T on the plus strand (G>A on the coding strand, the complement: SURF1 is on the minus strand). VCF-style: chr9-133352746-C-T. GRCh37 (hg19) VCF-style: chr9-136219601-C-T.
Other names: c.209G>A, p.Arg70Lys (NM_001280787.1); short protein forms R179K, R70K.
Identifiers: ClinVar variation 3342728 (VCV003342728.1).